The following is an entry in ClinVar:

NM_000350.3(ABCA4):c.3G>T (p.Met1Ile)

Gene: ABCA4 (ATP binding cassette subfamily A member 4; minus strand). Cytogenetic location: 1p22.1.
Variant type: single nucleotide variant.
Coding change: c.3G>T on transcript NM_000350.3 (MANE Select); coding-DNA position 3, G replaced by T.
Protein change: p.Met1Ile; changes the start codon (methionine 1).
Molecular consequence: missense variant, initiator codon variant.
Genome position (GRCh38, 1-based): chr1:94,121,043, C>A on the plus strand (G>T on the coding strand, the complement: ABCA4 is on the minus strand). VCF-style: chr1-94121043-C-A. GRCh37 (hg19) VCF-style: chr1-94586599-C-A.
Other names: NM_000350.3(ABCA4):c.3G>T; p.Met1Ile; c.3G>T, p.Met1Ile (NM_001425324.1); short protein forms M1I.
Identifiers: ClinVar variation 280328 (VCV000280328.7), dbSNP rs886041554, ClinGen allele CA10602781.

ClinVar aggregate classification (germline): Pathogenic. Review status: reviewed by expert panel (3 of 4 stars). 3 submissions from 3 submitters: Pathogenic (1). 2 of the submissions do not count toward it. Last evaluated 2025-12-05.

Conditions:
ABCA4-related retinopathy. Also called: ABCA4 retinoapthy; ABCA4-related retinoapthy. Identifiers: MedGen CN322612, MONDO:0800406.

Submissions (3):

ClinGen ABCA4 Variant Curation Expert Panel, Clingen
Classification: Pathogenic for ABCA4-related retinopathy. Last evaluated: 2025-12-05. Review status: reviewed by expert panel. Criteria: ClinGen ABCA4 ACMG Specifications V1.0.0. Collection method: curation. Allele origin: germline. Inheritance: Autosomal recessive inheritance.
Comment: The NM_000350.3:c.3G>T; p.Met1Ile variant in ABCA4 may cause a truncated or absent protein by altering the start codon of the coding sequence and is predicted to lead to the omission of a critical region of the protein (PVS1). This variant is absent from gnomAD v4.1.0 (PM2_Supporting). Another missense variant, c.1A>G; p.Met1Val, in the same codon has been classified as pathogenic for ABCA4-related retinopathy by the ClinGen ABCA4 VCEP (PM5). In summary, this variant meets the criteria to be classified as pathogenic for ABCA4-related retinopathy based on the ACMG/AMP criteria applied, as specified by the ClinGen ABCA4 VCEP (Specification Version 1.0): PVS1, PM2_Supporting, PM5.

Labcorp Genetics (formerly Invitae), Labcorp
Classification: Pathogenic. Last evaluated: 2023-08-30. Review status: criteria provided, single submitter. Criteria: Invitae Variant Classification Sherloc (09022015). Collection method: clinical testing. Allele origin: germline. Not counted in ClinVar's aggregate classification.
Comment: For these reasons, this variant has been classified as Pathogenic. ClinVar contains an entry for this variant (Variation ID: 280328). Disruption of the initiator codon has been observed in individuals with ABCA4-related conditions (PMID: 28118664, 29925512). This variant is not present in population databases (gnomAD no frequency). This sequence change affects the initiator methionine of the ABCA4 mRNA. The next in-frame methionine is located at codon 61.

GeneDx
Classification: Pathogenic. Last evaluated: 2016-02-16. Review status: criteria provided, single submitter. Criteria: GeneDx Variant Classification (06012015). Collection method: clinical testing. Allele origin: germline. Affected: yes. Not counted in ClinVar's aggregate classification.
Comment: The M1? variant has been reported previously in association with Stargardt disease (Maia-Lopes et al., 2009; Briggs et al., 2001; Burke et al., 2010). Variants in the Met1 initiation codon of any gene prevent translation from the normal initiation position. The resultant protein would be described as p.Met1?" using a question mark to signify that it is not known if the loss of Met1 means that all protein translation is completely prevented or if an abnormal protein is produced using an alternate Met. The M1? variant was not observed in approximately 6,500 individuals of European and African American ancestry in the NHLBI Exome Sequencing Project, indicating it is not a common benign variant in these populations. Therefore, this variant is pathogenic."

Literature cited by the submitters: PubMed 28118664 (cited by Labcorp Genetics (formerly Invitae), Labcorp); PubMed 29925512 (cited by Labcorp Genetics (formerly Invitae), Labcorp).